The following is an entry in ClinVar:

ClinVar aggregate classification (germline): Likely benign. Review status: criteria provided, single submitter (1 of 4 stars). 2 submissions from 2 submitters: Likely benign (1). 1 of the submissions does not count toward it. Last evaluated 2026-03-01.

Conditions:
SPEN-related disorder. Also called: SPEN-related condition.

Allele frequency attached by ClinVar (database versions not stated): gnomAD 0.00005; gnomAD exomes 0.00008; TOPMed 0.00010; 1000 Genomes Project 30x 0.00016; 1000 Genomes Project 0.00020; ExAC 0.00024.
gnomAD v4.1: 120 of 1,614,080 alleles (0.0074%); highest among the groups gnomAD compares: Admixed American, 0.13%; no homozygotes.

Submissions (2):

CeGaT Center for Human Genetics Tuebingen
Classification: Likely benign. Last evaluated: 2026-03-01. Review status: criteria provided, single submitter. Criteria: CeGaT Center For Human Genetics Tuebingen Variant Classification Criteria Version 2. Collection method: clinical testing. Allele origin: germline. Affected: yes. Observed: 1 variant allele.
Comment: SPEN: BP4, BS1

PreventionGenetics, part of Exact Sciences
Classification: Likely benign for SPEN-related condition. Last evaluated: 2022-08-01. Review status: no assertion criteria provided. Collection method: clinical testing. Allele origin: germline. Not counted in ClinVar's aggregate classification.
Comment: This variant is classified as likely benign based on ACMG/AMP sequence variant interpretation guidelines (Richards et al. 2015 PMID: 25741868, with internal and published modifications).

NM_015001.3(SPEN):c.7135G>A (p.Glu2379Lys)

Gene: SPEN (spen family transcriptional repressor; plus strand). Cytogenetic location: 1p36.13.
Variant type: single nucleotide variant.
Coding change: c.7135G>A on transcript NM_015001.3 (MANE Select); coding-DNA position 7135, G replaced by A.
Protein change: p.Glu2379Lys; replaces glutamic acid 2379 with lysine.
Molecular consequence: missense variant.
Genome position (GRCh38, 1-based): chr1:15,933,375, G>A. VCF-style: chr1-15933375-G-A. GRCh37 (hg19) VCF-style: chr1-16259870-G-A.
Other names: short protein forms E2379K.
Identifiers: ClinVar variation 3051828 (VCV003051828.6), dbSNP rs186683366, ClinGen allele CA620053.